The following is an entry in ClinVar:

ClinVar aggregate classification (germline): Uncertain significance (1 of 4 stars; one submission).

Conditions:
Hereditary hemochromatosis (HFE). Identifiers: MedGen C0392514, MONDO:0006507. Disease mechanism: loss of function.

Allele frequency attached by ClinVar (database versions not stated): TOPMed below 0.00001; gnomAD 0.00001; gnomAD exomes 0.00001.
gnomAD v4.1: 6 of 1,613,950 alleles (0.00037%); highest among the groups gnomAD compares: Non-Finnish European, 0.00051%; no homozygotes.

Submission:

Labcorp Genetics (formerly Invitae), Labcorp
Classification: Uncertain significance for Hereditary hemochromatosis. Last evaluated: 2022-09-22. Review status: criteria provided, single submitter. Criteria: Invitae Variant Classification Sherloc (09022015). Collection method: clinical testing. Allele origin: germline.
Comment: This sequence change replaces alanine, which is neutral and non-polar, with valine, which is neutral and non-polar, at codon 8 of the HFE protein (p.Ala8Val). This variant is not present in population databases (gnomAD no frequency). This variant has not been reported in the literature in individuals affected with HFE-related conditions. Algorithms developed to predict the effect of missense changes on protein structure and function are either unavailable or do not agree on the potential impact of this missense change (SIFT: "Tolerated"; PolyPhen-2: "Possibly Damaging"; Align-GVGD: "Class C0"). In summary, the available evidence is currently insufficient to determine the role of this variant in disease. Therefore, it has been classified as a Variant of Uncertain Significance.

NM_000410.4(HFE):c.23C>T (p.Ala8Val)

Genes: HFE (homeostatic iron regulator; plus strand), HFE-AS1 (HFE antisense RNA 1; minus strand). Cytogenetic location: 6p22.2.
Variant type: single nucleotide variant.
Coding change: c.23C>T on transcript NM_000410.4 (MANE Select); coding-DNA position 23, C replaced by T.
Protein change: p.Ala8Val; replaces alanine 8 with valine.
Molecular consequence: missense variant. On other transcripts: non-coding transcript variant (1).
Genome position (GRCh38, 1-based): chr6:26,087,463, C>T. VCF-style: chr6-26087463-C-T. GRCh37 (hg19) VCF-style: chr6-26087691-C-T.
Other names: c.23C>T, p.Ala8Val (NM_001300749.3, NM_001384164.1, NM_001406751.1 and 9 more transcripts); short protein forms A8V.
Identifiers: ClinVar variation 2070671 (VCV002070671.1), dbSNP rs999289975, ClinGen allele CA136289689.
Genomic context (GRCh38, chr6:26,087,463, plus strand): 5'-CGGAGATTTAACGGGGACGTGCGGCCAGAGCTGGGGAAATGGGCCCGCGAGCCAGGCCGG[C>T]GCTTCTCCTCCTGATGCTTTTGCAGACCGCGGTCCTGCAGGGGCGCTTGCTGCGTGAGTC-3'
Protein context (NP_000401.1, residues 1-18): MGPRARP[Ala8Val]LLLLMLLQTA